The following is an entry in ClinVar:

NM_001220.5(CAMK2B):c.1337C>G (p.Pro446Arg)

Gene: CAMK2B (calcium/calmodulin dependent protein kinase II beta; minus strand). Cytogenetic location: 7p13.
Variant type: single nucleotide variant.
Coding change: c.1337C>G on transcript NM_001220.5 (MANE Select); coding-DNA position 1337, C replaced by G.
Protein change: p.Pro446Arg; replaces proline 446 with arginine.
Molecular consequence: missense variant. On other transcripts: intron variant (8).
Genome position (GRCh38, 1-based): chr7:44,229,390, G>C on the plus strand (C>G on the coding strand, the complement: CAMK2B is on the minus strand). VCF-style: chr7-44229390-G-C. GRCh37 (hg19) VCF-style: chr7-44268989-G-C.
Other names: c.947-8489C>G (NM_172084.3); c.1150+1616C>G (NM_172080.3); c.1036+1616C>G (NM_172083.3); c.1108+1616C>G (NM_172081.3); c.1153+1616C>G (NM_172079.3, NM_172082.3); c.1225+1616C>G (NM_001293170.2, NM_172078.3); short protein forms P446R.
Identifiers: ClinVar variation 1905013 (VCV001905013.5), dbSNP rs2096555782, ClinGen allele CA367374086.

ClinVar aggregate classification (germline): Uncertain significance (1 of 4 stars; one submission).

Allele frequency attached by ClinVar (database versions not stated): gnomAD exomes 0.00001.
gnomAD v4.1: 9 of 1,524,290 alleles (0.00059%); highest among the groups gnomAD compares: Non-Finnish European, 0.00079%; no homozygotes.

Submission:

Labcorp Genetics (formerly Invitae), Labcorp
Classification: Uncertain significance. Last evaluated: 2024-03-04. Review status: criteria provided, single submitter. Criteria: Invitae Variant Classification Sherloc (09022015). Collection method: clinical testing. Allele origin: germline.
Comment: This sequence change replaces proline, which is neutral and non-polar, with arginine, which is basic and polar, at codon 446 of the CAMK2B protein (p.Pro446Arg). This variant is not present in population databases (gnomAD no frequency). This variant has not been reported in the literature in individuals affected with CAMK2B-related conditions. ClinVar contains an entry for this variant (Variation ID: 1905013). An algorithm developed to predict the effect of missense changes on protein structure and function (PolyPhen-2) suggests that this variant is likely to be tolerated. In summary, the available evidence is currently insufficient to determine the role of this variant in disease. Therefore, it has been classified as a Variant of Uncertain Significance.